The following is an entry in ClinVar:

ClinVar aggregate classification (germline): Uncertain significance (1 of 4 stars; one submission).

Conditions:
Developmental and epileptic encephalopathy, 36 (DEE36). Also called: ALG13-CDG; Congenital disorder of glycosylation, type Is; Epileptic encephalopathy, early infantile, 36. Identifiers: Orphanet 324422, MedGen C4317295, MONDO:0010472, OMIM 300884.

Submission:

Labcorp Genetics (formerly Invitae), Labcorp
Classification: Uncertain significance for Developmental and epileptic encephalopathy, 36. Last evaluated: 2025-11-15. Review status: criteria provided, single submitter. Criteria: Invitae Variant Classification Sherloc (09022015). Collection method: clinical testing. Allele origin: germline.
Comment: This variant, c.2798_2799insACCACCACCTCC, results in the insertion of 4 amino acid(s) of the ALG13 protein (p.Pro942_Pro945dup), but otherwise preserves the integrity of the reading frame. This variant is not present in population databases (gnomAD no frequency). This variant has not been reported in the literature in individuals affected with ALG13-related conditions. Experimental studies and prediction algorithms are not available or were not evaluated, and the functional significance of this variant is currently unknown. In summary, the available evidence is currently insufficient to determine the role of this variant in disease. Therefore, it has been classified as a Variant of Uncertain Significance.

NM_001099922.3(ALG13):c.2798_2799insACCACCACCTCC (p.Pro942_Pro945dup)

Gene: ALG13 (ALG13 UDP-N-acetylglucosaminyltransferase subunit; plus strand). Cytogenetic location: Xq23.
Variant type: Microsatellite.
Coding change: c.2798_2799insACCACCACCTCC on transcript NM_001099922.3 (MANE Select); coding-DNA positions 2798 to 2799, ACCACCACCTCC inserted.
Protein change: p.Pro942_Pro945dup.
Molecular consequence: inframe insertion. On other transcripts: intron variant (5).
Genome position: GRCh38 VCF-style: chrX-111744768-A-ACCACCACCACCT. GRCh37 (hg19) VCF-style: chrX-110987996-A-ACCACCACCACCT.
Other names: c.2564_2565insACCACCACCTCC, p.Pro864_Pro867dup (NM_001257231.2); c.2383+7891_2383+7892insACCACCACCTCC (NM_001257237.2, NM_001257234.2, NM_001257230.2); c.2209+7891_2209+7892insACCACCACCTCC (NM_001324293.1); c.2695+7891_2695+7892insACCACCACCTCC (NM_001324292.2).
Identifiers: ClinVar variation 1447798 (VCV001447798.12), dbSNP rs1569522034.